The following is an entry in ClinVar:

ClinVar aggregate classification (germline): Uncertain significance (1 of 4 stars; one submission).

Conditions:
Aspartylglucosaminuria (AGU). Also called: GLYCOASPARAGINASE; GLYCOSYLASPARAGINASE DEFICIENCY; AGA DEFICIENCY; Aspartylglucos-aminuria; Aspartylglucos-amidase (AGA) deficiency. Identifiers: Orphanet 93, MedGen C0268225, MONDO:0008830, OMIM 208400, HP:0012068.

Submission:

Labcorp Genetics (formerly Invitae), Labcorp
Classification: Uncertain significance for Aspartylglucosaminuria. Last evaluated: 2021-01-28. Review status: criteria provided, single submitter. Criteria: Invitae Variant Classification Sherloc (09022015). Collection method: clinical testing. Allele origin: germline.
Comment: This variant results in a copy number gain of the genomic region encompassing the full coding sequence of the AGA gene. The boundaries of this event are unknown as they extend beyond the assayed region for this gene and therefore may encompass additional genes. As the precise location of this event is unknown, it may be in tandem or it may be located elsewhere in the genome. This variant has not been reported in the literature in individuals with AGA-related conditions. In summary, the available evidence is currently insufficient to determine the role of this variant in disease. Therefore, it has been classified as a Variant of Uncertain Significance.

NC_000004.11:g.(?_178352862)_(178363529_?)dup

Gene: AGA (aspartylglucosaminidase; minus strand). Cytogenetic location: 4q34.3.
Variant type: Duplication.
Identifiers: ClinVar variation 2422153 (VCV002422153.3).